The following is an entry in ClinVar:

NM_015057.5(MYCBP2):c.7588A>G (p.Asn2530Asp)

Gene: MYCBP2 (MYC binding protein 2; minus strand). Cytogenetic location: 13q22.3.
Variant type: single nucleotide variant.
Coding change: c.7588A>G on transcript NM_015057.5 (MANE Select); coding-DNA position 7588, A replaced by G.
Protein change: p.Asn2530Asp; replaces asparagine 2530 with aspartic acid.
Molecular consequence: missense variant.
Genome position (GRCh38, 1-based): chr13:77,139,267, T>C on the plus strand (A>G on the coding strand, the complement: MYCBP2 is on the minus strand). VCF-style: chr13-77139267-T-C. GRCh37 (hg19) VCF-style: chr13-77713402-T-C.
Other names: short protein forms N2530D.
Identifiers: ClinVar variation 4082887 (VCV004082887.1).

ClinVar aggregate classification (germline): Uncertain significance (1 of 4 stars; one submission).

Submission:

GeneDx
Classification: Uncertain significance. Last evaluated: 2025-03-05. Review status: criteria provided, single submitter. Criteria: GeneDx Variant Classification Process June 2021. Collection method: clinical testing. Allele origin: germline. Affected: yes.
Comment: Not observed at significant frequency in large population cohorts (gnomAD); In silico analysis supports that this missense variant has a deleterious effect on protein structure/function; Has not been previously published as pathogenic or benign to our knowledge